The following is an entry in ClinVar:

NM_000051.4(ATM):c.4373G>A (p.Gly1458Glu)

Gene: ATM (ATM serine/threonine kinase; plus strand). Cytogenetic location: 11q22.3.
Variant type: single nucleotide variant.
Coding change: c.4373G>A on transcript NM_000051.4 (MANE Select); coding-DNA position 4373, G replaced by A.
Protein change: p.Gly1458Glu; replaces glycine 1458 with glutamic acid.
Molecular consequence: missense variant.
Genome position (GRCh38, 1-based): chr11:108,289,738, G>A. VCF-style: chr11-108289738-G-A. GRCh37 (hg19) VCF-style: chr11-108160465-G-A.
Other names: c.4373G>A, p.Gly1458Glu (NM_001351834.2); short protein forms G1458E.
Identifiers: ClinVar variation 1740107 (VCV001740107.2), dbSNP rs1325046917, ClinGen allele CA382532101.

ClinVar aggregate classification (germline): Uncertain significance (1 of 4 stars; one submission).

Conditions:
Hereditary cancer-predisposing syndrome. Also called: Hereditary Cancer Syndrome; Hereditary neoplastic syndrome; Neoplastic Syndromes, Hereditary; Tumor predisposition. Identifiers: Orphanet 140162, MedGen C0027672, MeSH D009386, MONDO:0015356.

Submission:

Ambry Genetics
Classification: Uncertain significance for Hereditary cancer-predisposing syndrome. Last evaluated: 2020-09-24. Review status: criteria provided, single submitter. Criteria: Ambry Variant Classification Scheme 2023. Collection method: clinical testing. Allele origin: germline.
Comment: The p.G1458E variant (also known as c.4373G>A), located in coding exon 28 of the ATM gene, results from a G to A substitution at nucleotide position 4373. The glycine at codon 1458 is replaced by glutamic acid, an amino acid with similar properties. This amino acid position is highly conserved in available vertebrate species. In addition, this alteration is predicted to be deleterious by in silico analysis. Since supporting evidence is limited at this time, the clinical significance of this alteration remains unclear.